The following is an entry in ClinVar:

ClinVar aggregate classification (germline): Conflicting classifications of pathogenicity. Review status: criteria provided, conflicting classifications (1 of 4 stars). 8 submissions from 8 submitters: Uncertain significance (1); Benign (1); Likely benign (5). 1 of the submissions does not count toward it. Last evaluated 2026-01-25.

Conditions:
Autosomal dominant optic atrophy classic form (OPA1). Also called: Optic Atrophy Type 1; OPTIC ATROPHY, JUVENILE; KJER-TYPE OPTIC ATROPHY. Identifiers: Orphanet 98673, MedGen C0338508, MONDO:0008134, OMIM 165500.
OPA1-related disorder. Also called: OPA1-related disorders; OPA1-related condition.

Allele frequency attached by ClinVar (database versions not stated): ExAC 0.00007; TOPMed 0.00018; gnomAD 0.00019 and 0.00020; ESP Exome Variant Server 0.00031.
gnomAD v4.1: 554 of 1,613,496 alleles (0.034%); highest among the groups gnomAD compares: Non-Finnish European, 0.042%; no homozygotes.

Submissions (8):

Labcorp Genetics (formerly Invitae), Labcorp
Classification: Likely benign. Last evaluated: 2026-01-25. Review status: criteria provided, single submitter. Criteria: Invitae Variant Classification Sherloc (09022015). Collection method: clinical testing. Allele origin: germline.

Mayo Clinic Laboratories, Mayo Clinic
Classification: Likely benign. Last evaluated: 2025-07-30. Review status: criteria provided, single submitter. Criteria: ACMG Guidelines, 2015. Collection method: clinical testing. Allele origin: germline. Observed: 3 variant alleles.
Comment: BP4, BP7

CeGaT Center for Human Genetics Tuebingen
Classification: Likely benign. Last evaluated: 2025-04-01. Review status: criteria provided, single submitter. Criteria: CeGaT Center For Human Genetics Tuebingen Variant Classification Criteria Version 2. Collection method: clinical testing. Allele origin: germline. Affected: yes. Observed: 7 variant alleles.
Comment: OPA1: BP4, BP7

Blueprint Genetics
Classification: Likely benign. Last evaluated: 2024-09-09. Review status: criteria provided, single submitter. Criteria: ACMG Guidelines, 2015. Collection method: clinical testing. Allele origin: germline.

GeneDx
Classification: Likely benign. Last evaluated: 2021-05-26. Review status: criteria provided, single submitter. Criteria: GeneDx Variant Classification Process June 2021. Collection method: clinical testing. Allele origin: germline. Affected: yes.

Athena Diagnostics
Classification: Benign. Last evaluated: 2018-05-15. Review status: criteria provided, single submitter. Criteria: Athena Diagnostics Criteria. Collection method: clinical testing. Allele origin: germline.

Illumina Laboratory Services, Illumina
Classification: Uncertain significance for Autosomal dominant optic atrophy classic form. Last evaluated: 2018-01-13. Review status: criteria provided, single submitter. Criteria: ICSL Variant Classification Criteria 13 December 2019. Collection method: clinical testing. Allele origin: germline.

PreventionGenetics, part of Exact Sciences
Classification: Likely benign for OPA1-related condition. Last evaluated: 2024-08-23. Review status: no assertion criteria provided. Collection method: clinical testing. Allele origin: germline. Not counted in ClinVar's aggregate classification.
Comment: This variant is classified as likely benign based on ACMG/AMP sequence variant interpretation guidelines (Richards et al. 2015 PMID: 25741868, with internal and published modifications).

NM_130837.3(OPA1):c.2592T>C (p.Leu864=)

Gene: OPA1 (OPA1 mitochondrial dynamin like GTPase; plus strand). Cytogenetic location: 3q29.
Variant type: single nucleotide variant.
Coding change: c.2592T>C on transcript NM_130837.3 (MANE Select); coding-DNA position 2592, T replaced by C.
Protein change: p.Leu864=; no amino-acid change (leucine 864 retained).
Molecular consequence: synonymous variant.
Genome position (GRCh38, 1-based): chr3:193,662,893, T>C. VCF-style: chr3-193662893-T-C. GRCh37 (hg19) VCF-style: chr3-193380682-T-C.
Other names: p.Leu809=; c.2058T>C, p.Leu686= (NM_001354663.2); c.2055T>C, p.Leu685= (NM_001354664.2); c.2427T>C, p.Leu809= (NM_015560.3); c.2319T>C, p.Leu773= (NM_130831.3); c.2373T>C, p.Leu791= (NM_130832.3); c.2430T>C, p.Leu810= (NM_130833.3); c.2481T>C, p.Leu827= (NM_130834.3); and 3 more.
Identifiers: ClinVar variation 382460 (VCV000382460.57), dbSNP rs145999595, ClinGen allele CA2759700.
Genomic context (GRCh38, chr3:193,662,893, plus strand): 5'-TGAAACCAAGAATGAATTGGAGAAGATGTTGAAATGTAATGAGGAGCACCCAGCTTATCT[T>C]GCAAGTGATGAAATAACCACAGTCCGGAAGAACCTTGAATCCCGAGGAGTAGAAGTAGAT-3'
Protein context (NP_570850.2, residues 854-874): LKCNEEHPAY[Leu864=]ASDEITTVRK